The following is an entry in ClinVar:

ClinVar aggregate classification (germline): Pathogenic (1 of 4 stars; one submission).

Conditions:
Hereditary breast ovarian cancer syndrome. Also called: Hereditary breast and/or ovarian cancer syndrome; Hereditary breast and ovarian cancer; Hereditary breast and ovarian cancer syndrome; Breast and ovarian cancer; Hereditary breast and ovarian cancer syndrome (HBOC); BRCA1- and BRCA2-Associated Hereditary Breast and Ovarian Cancer. Identifiers: Orphanet 145, MedGen C0677776, MeSH D061325, MONDO:0003582. Disease mechanism: loss of function.

Submission:

Labcorp Genetics (formerly Invitae), Labcorp
Classification: Pathogenic for Hereditary breast ovarian cancer syndrome. Last evaluated: 2022-12-30. Review status: criteria provided, single submitter. Criteria: Invitae Variant Classification Sherloc (09022015). Collection method: clinical testing. Allele origin: germline.
Comment: For these reasons, this variant has been classified as Pathogenic. Algorithms developed to predict the effect of sequence changes on RNA splicing suggest that this variant may disrupt the consensus splice site. This variant has not been reported in the literature in individuals affected with BRCA1-related conditions. This variant is not present in population databases (gnomAD no frequency). This sequence change creates a premature translational stop signal (p.Pro1469Glnfs*36) in the BRCA1 gene. It is expected to result in an absent or disrupted protein product. Loss-of-function variants in BRCA1 are known to be pathogenic (PMID: 20104584).

Literature cited by the submitters: PubMed 20104584.

NM_007294.4(BRCA1):c.4406del (p.Pro1469fs)

Gene: BRCA1 (BRCA1 DNA repair associated; minus strand). Cytogenetic location: 17q21.31.
Variant type: Deletion.
Coding change: c.4406del on transcript NM_007294.4 (MANE Select); coding-DNA position 4406, one base deleted (C; older notation c.4406delC).
Protein change: p.Pro1469fs; shifts the reading frame from proline 1469.
Molecular consequence: frameshift variant. On other transcripts: intron variant (3).
Genome position (GRCh38, 1-based): chr17:43,076,566, G deleted on the plus strand (C on the coding strand, the reverse complement: BRCA1 is on the minus strand); the first of 2 consecutive G bases (chr17:43,076,566-43,076,567); deleting either gives the same sequence. VCF-style (leftmost placement, unchanged base first): chr17-43076565-TG-T. GRCh37 (hg19) VCF-style: chr17-41228582-TG-T.
Other names: c.971del, p.Pro324fs (NM_001408437.1, NM_001408438.1, NM_001408439.1 and 10 more transcripts); c.1097del, p.Pro366fs (NM_001407976.1, NM_001407977.1, NM_001407978.1 and 3 more transcripts); c.968del, p.Pro323fs (NM_001408445.1, NM_001408446.1, NM_001408447.1 and 2 more transcripts); c.1094del, p.Pro365fs (NM_001407979.1, NM_001407980.1, NM_001407981.1 and 12 more transcripts); c.1091del, p.Pro364fs (NM_001408392.1, NM_001408396.1, NM_001408397.1 and 8 more transcripts); c.1088del, p.Pro363fs (NM_001408406.1, NM_001408407.1, NM_001408408.1); c.1085del, p.Pro362fs (NM_001408409.1); c.1022del, p.Pro341fs (NM_001408410.1); and 72 more; short protein forms P278fs, P294fs, P298fs, P318fs, P323fs, P326fs, P362fs, P365fs.
Identifiers: ClinVar variation 2824938 (VCV002824938.3), dbSNP rs2052734372, ClinGen allele CA2733692815.